The following is an entry in ClinVar:

ClinVar aggregate classification (germline): Uncertain significance (1 of 4 stars; one submission).

Conditions:
Familial Mediterranean fever (FMF). Also called: Periodic peritonitis; Benign paroxysmal peritonitis; POLYSEROSITIS, FAMILIAL PAROXYSMAL; POLYSEROSITIS, RECURRENT. Identifiers: Orphanet 342, MedGen C0031069, MONDO:0018088, OMIM 249100. Disease mechanism: gain of function.

Submission:

Labcorp Genetics (formerly Invitae), Labcorp
Classification: Uncertain significance for Familial Mediterranean fever. Last evaluated: 2024-04-01. Review status: criteria provided, single submitter. Criteria: Invitae Variant Classification Sherloc (09022015). Collection method: clinical testing. Allele origin: germline.
Comment: This sequence change replaces threonine with serine at codon 249 of the MEFV protein (p.Thr249Ser). The threonine residue is weakly conserved and there is a small physicochemical difference between threonine and serine. Information on the frequency of this variant in the gnomAD database is not available, as this variant may be reported differently in the database. This variant has not been reported in the literature in individuals affected with MEFV-related conditions. ClinVar contains an entry for this variant (Variation ID: 1463761). Experimental studies and prediction algorithms are not available or were not evaluated, and the functional significance of this variant is currently unknown. In summary, the available evidence is currently insufficient to determine the role of this variant in disease. Therefore, it has been classified as a Variant of Uncertain Significance.

NM_000243.3(MEFV):c.744_745delinsCT (p.Thr249Ser)

Gene: MEFV (MEFV innate immunity regulator, pyrin; minus strand). Cytogenetic location: 16p13.3.
Variant type: Indel.
Coding change: c.744_745delinsCT on transcript NM_000243.3 (MANE Select); coding-DNA positions 744 to 745, TA replaced by CT.
Protein change: p.Thr249Ser; replaces threonine 249 with serine.
Molecular consequence: missense variant. On other transcripts: intron variant (1).
Genome position (GRCh38, 1-based): chr16:3,254,323-3,254,324, TA replaced by AG on the plus strand (TA replaced by CT on the coding strand, the reverse complement: MEFV is on the minus strand). VCF-style: chr16-3254323-TA-AG. GRCh37 (hg19) VCF-style: chr16-3304323-TA-AG.
Other names: c.277+1987_277+1988delinsCT (NM_001198536.2); short protein forms T249S.
Identifiers: ClinVar variation 1463761 (VCV001463761.6), dbSNP rs2141676883, ClinGen allele CA2573152020.